The following is an entry in ClinVar:

NM_000282.4(PCCA):c.1687G>A (p.Val563Ile)

Gene: PCCA (propionyl-CoA carboxylase subunit alpha; plus strand). Cytogenetic location: 13q32.3.
Variant type: single nucleotide variant.
Coding change: c.1687G>A on transcript NM_000282.4 (MANE Select); coding-DNA position 1687, G replaced by A.
Protein change: p.Val563Ile; replaces valine 563 with isoleucine.
Molecular consequence: missense variant. On other transcripts: non-coding transcript variant (2).
Genome position (GRCh38, 1-based): chr13:100,368,515, G>A. VCF-style: chr13-100368515-G-A. GRCh37 (hg19) VCF-style: chr13-101020769-G-A.
Other names: c.1609G>A, p.Val537Ile (NM_001127692.3, NM_001352607.2); c.1687G>A, p.Val563Ile (NM_001178004.2, NM_001352605.2, NM_001352609.2); c.1543G>A, p.Val515Ile (NM_001352606.2); c.1465G>A, p.Val489Ile (NM_001352608.2); c.742G>A, p.Val248Ile (NM_001352610.2, NM_001352611.2); c.598G>A, p.Val200Ile (NM_001352612.2); short protein forms V489I, V515I, V563I, V200I, V248I, V537I.
Identifiers: ClinVar variation 1958489 (VCV001958489.2), dbSNP rs2548445289, ClinGen allele CA388698239.
Genomic context (GRCh38, chr13:100,368,515, plus strand): 5'-TTTTCATTCTACTTCAGAATGCCTGTTATTAAACCAGACATAGCCAACTGGGAGCTCTCA[G>A]TAAAATTGCATGATAAAGTTCATACCGTAGTAGCATCAAACAATGGGTCAGTGTTCTCGG-3'
Protein context (NP_000273.2, residues 553-573): KPDIANWELS[Val563Ile]KLHDKVHTVV

ClinVar aggregate classification (germline): Uncertain significance (1 of 4 stars; one submission).

Conditions:
Propionic acidemia (PROP). Also called: GLYCINEMIA, KETOTIC; HYPERGLYCINEMIA WITH KETOACIDOSIS AND LEUKOPENIA; KETOTIC HYPERGLYCINEMIA. Identifiers: Orphanet 35, MedGen C0268579, MONDO:0011628, OMIM 606054, HP:0003571.

Submission:

Labcorp Genetics (formerly Invitae), Labcorp
Classification: Uncertain significance for Propionic acidemia. Last evaluated: 2022-08-15. Review status: criteria provided, single submitter. Criteria: Invitae Variant Classification Sherloc (09022015). Collection method: clinical testing. Allele origin: germline.
Comment: This sequence change replaces valine, which is neutral and non-polar, with isoleucine, which is neutral and non-polar, at codon 563 of the PCCA protein (p.Val563Ile). This variant is not present in population databases (gnomAD no frequency). This variant has not been reported in the literature in individuals affected with PCCA-related conditions. Advanced modeling of protein sequence and biophysical properties (such as structural, functional, and spatial information, amino acid conservation, physicochemical variation, residue mobility, and thermodynamic stability) performed at Invitae indicates that this missense variant is not expected to disrupt PCCA protein function. In summary, the available evidence is currently insufficient to determine the role of this variant in disease. Therefore, it has been classified as a Variant of Uncertain Significance.